The following is an entry in ClinVar:

NC_000023.10:g.(?_85211158)_(85237732_?)dup

Gene: CHM (CHM Rab escort protein; minus strand). Cytogenetic location: Xq21.2.
Variant type: Duplication.
Identifiers: ClinVar variation 832596 (VCV000832596.7).

ClinVar aggregate classification (germline): Likely pathogenic (1 of 4 stars; one submission).

Submission:

Labcorp Genetics (formerly Invitae), Labcorp
Classification: Likely pathogenic. Last evaluated: 2020-02-21. Review status: criteria provided, single submitter. Criteria: Invitae Variant Classification Sherloc (09022015). Collection method: clinical testing. Allele origin: germline.
Comment: In summary, the currently available evidence indicates that the variant is pathogenic, but additional data are needed to prove that conclusively. Therefore, this variant has been classified as Likely Pathogenic. Experimental studies and prediction algorithms are not available or were not evaluated for this variant, and the functional significance of the affected amino acid(s) is currently unknown. A similar duplication has been observed to be hemizygous in an individual affected with choroideremia (PMID: 23273018). This variant results in a copy number gain of the genomic region encompassing exons 3-8 of the CHM gene. While the exact position of this variant cannot be determined from this data, sub-genic copy number gains are generally in tandem (PMID: 25640679). This variant would be expected to be in-frame, preserving the integrity of the reading frame.

Literature cited by the submitters: PubMed 23273018; PubMed 25640679.